The following is an entry in ClinVar:

NM_153700.2(STRC):c.3681+11G>A

Gene: STRC (stereocilin; minus strand). Cytogenetic location: 15q15.3.
Variant type: single nucleotide variant.
Coding change: c.3681+11G>A on transcript NM_153700.2 (MANE Select); 11 bases into the intron after coding-DNA position 3681, G replaced by A.
Molecular consequence: intron variant.
Genome position (GRCh38, 1-based): chr15:43,608,069, C>T on the plus strand (G>A on the coding strand, the complement: STRC is on the minus strand). VCF-style: chr15-43608069-C-T. GRCh37 (hg19) VCF-style: chr15-43900267-C-T.
Identifiers: ClinVar variation 666761 (VCV000666761.7), dbSNP rs796781098, ClinGen allele CA270011028.
Genomic context (GRCh38, chr15:43,608,069, plus strand): 5'-ATAGGAGCTGGGTTCTATACCTAGGGTCCCAGCCTCCCTGCTCCCACTAAAGTCCAGGCA[C>T]CCCCTCTCACCAGGCTCCCTCGAACTCTAGTGGGCAGCTGATAGATCATGTGCACCACTT-3'

ClinVar aggregate classification (germline): Likely benign. Review status: criteria provided, multiple submitters, no conflicts (2 of 4 stars). 3 submissions from 3 submitters: Likely benign (3). Last evaluated 2020-02-26.

Conditions:
Autosomal recessive nonsyndromic hearing loss 16. Also called: DFNB16 Nonsyndromic Hearing Loss and Deafness; DEAFNESS, AUTOSOMAL RECESSIVE 16. Identifiers: Orphanet 90636, MedGen C1863561, MONDO:0011364, OMIM 603720.

Allele frequency attached by ClinVar (database versions not stated): gnomAD 0.00001.

Submissions (3):

Dubai Health Genomic Medicine Center, Dubai Health
Classification: Likely benign for Autosomal recessive nonsyndromic hearing loss 16. Last evaluated: 2020-02-26. Review status: criteria provided, single submitter. Criteria: ACMG Guidelines, 2015. Collection method: clinical testing. Allele origin: germline. Affected: yes.

Laboratory for Molecular Medicine, Mass General Brigham Personalized Medicine
Classification: Likely benign. Last evaluated: 2018-02-15. Review status: criteria provided, single submitter. Criteria: LMM Criteria. Collection method: clinical testing. Allele origin: germline. Observed: 1 variant allele.
Comment: c.3681+11G>A in intron 17 of STRC: This variant is not expected to have clinical significance because it is not located within the splice consensus sequence and it is not predicted to impact splicing. Data from large population studies is insufficient to determine the frequency of this variant. ACMG/AMP Criteria appl ied: BP4, BP7.

Genome-Nilou Lab
Classification: Likely benign for Autosomal recessive nonsyndromic hearing loss 16. Review status: criteria provided, single submitter. Criteria: ACMG Guidelines, 2015. Collection method: clinical testing. Allele origin: germline.